The following is an entry in ClinVar:

NM_000240.4(MAOA):c.1390G>A (p.Gly464Arg)

Gene: MAOA (monoamine oxidase A; plus strand). Cytogenetic location: Xp11.3.
Variant type: single nucleotide variant.
Coding change: c.1390G>A on transcript NM_000240.4 (MANE Select); coding-DNA position 1390, G replaced by A.
Protein change: p.Gly464Arg; replaces glycine 464 with arginine.
Molecular consequence: missense variant.
Genome position (GRCh38, 1-based): chrX:43,744,124, G>A. VCF-style: chrX-43744124-G-A. GRCh37 (hg19) VCF-style: chrX-43603371-G-A.
Other names: c.991G>A, p.Gly331Arg (NM_001270458.2); short protein forms G331R, G464R.
Identifiers: ClinVar variation 3022858 (VCV003022858.4), dbSNP rs775232342, ClinGen allele CA10390971.

ClinVar aggregate classification (germline): Uncertain significance (1 of 4 stars; one submission).

Conditions:
Brunner syndrome (BRNRS). Identifiers: Orphanet 3057, MedGen C0796275, MONDO:0010379, OMIM 300615.

Allele frequency attached by ClinVar (database versions not stated): gnomAD exomes 0.00001; gnomAD 0.00003; TOPMed 0.00003; ExAC 0.00002.

Submissions (2):

Labcorp Genetics (formerly Invitae), Labcorp
Classification: Uncertain significance for Brunner syndrome. Last evaluated: 2025-03-28. Review status: criteria provided, single submitter. Criteria: Invitae Variant Classification Sherloc (09022015). Collection method: clinical testing. Allele origin: germline.
Comment: This sequence change replaces glycine, which is neutral and non-polar, with arginine, which is basic and polar, at codon 464 of the MAOA protein (p.Gly464Arg). This variant is present in population databases (rs775232342, gnomAD 0.007%). This variant has not been reported in the literature in individuals affected with MAOA-related conditions. ClinVar contains an entry for this variant (Variation ID: 3022858). An algorithm developed to predict the effect of missense changes on protein structure and function (PolyPhen-2) suggests that this variant is likely to be tolerated. In summary, the available evidence is currently insufficient to determine the role of this variant in disease. Therefore, it has been classified as a Variant of Uncertain Significance.

Dr. Peter K. Rogan Lab, Western University
No classification provided (evidence only). Condition: Nonpapillary renal cell carcinoma. Review status: no classification provided. Collection method: in vitro. Allele origin: not applicable. Functional consequence: retained intron. Not counted in ClinVar's aggregate classification.